The following is an entry in ClinVar:

NM_000377.3(WAS):c.1289del (p.Gly430fs)

Gene: WAS (WASP actin nucleation promoting factor; plus strand). Cytogenetic location: Xp11.23.
Variant type: Deletion.
Coding change: c.1289del on transcript NM_000377.3 (MANE Select); coding-DNA position 1289, one base deleted (G; older notation c.1289delG).
Protein change: p.Gly430fs; shifts the reading frame from glycine 430.
Molecular consequence: frameshift variant.
Genome position (GRCh38, 1-based): chrX:48,689,017, G deleted; the last of 5 consecutive G bases (chrX:48,689,013-48,689,017); deleting any one gives the same sequence. VCF-style (leftmost placement, unchanged base first): chrX-48689012-TG-T. GRCh37 (hg19) VCF-style: chrX-48547401-TG-T.
Other names: short protein forms G430fs.
Identifiers: ClinVar variation 3759641 (VCV003759641.2).
Genomic context (GRCh38, chrX:48,689,012, plus strand): 5'-TGGACCAGCCCCTCCCCCACTCCCTCCTGCTCTGGTGCCTGCCGGGGGCCTGGCCCCTGG[TG>T]GGGGTCGGGGAGCGCTTTTGGATCAAATCCGGCAGGGAATTCAGCTGAACAAGGTGAGGA-3'

ClinVar aggregate classification (germline): Pathogenic (1 of 4 stars; one submission).

Conditions:
X-linked severe congenital neutropenia (SCNX). Identifiers: Orphanet 86788, MedGen C1845987, MONDO:0010294, OMIM 300299.
Thrombocytopenia 1. Also called: THROMBOCYTOPENIA, X-LINKED, 1; X-linked thrombocytopenia with normal platelets; X-Linked Thrombocytopenia (XLT). Identifiers: Orphanet 268322, Orphanet 852, MedGen C1839163, MONDO:0010743, OMIM 313900.
Wiskott-Aldrich syndrome (WAS). Also called: ALDRICH SYNDROME; IMMUNODEFICIENCY 2; Wiskott-aldrich syndrome, somatic; WISKOTT-ALDRICH SYNDROME 1. Identifiers: Orphanet 906, MedGen C0043194, MONDO:0010518, OMIM 301000.

Submission:

Labcorp Genetics (formerly Invitae), Labcorp
Classification: Pathogenic for Wiskott-Aldrich syndrome; X-linked severe congenital neutropenia; Thrombocytopenia 1. Last evaluated: 2024-11-20. Review status: criteria provided, single submitter. Criteria: Invitae Variant Classification Sherloc (09022015). Collection method: clinical testing. Allele origin: germline.
Comment: This sequence change creates a premature translational stop signal (p.Gly430Valfs*15) in the WAS gene. It is expected to result in an absent or disrupted protein product. Loss-of-function variants in WAS are known to be pathogenic (PMID: 15284122). This variant is not present in population databases (gnomAD no frequency). This variant has not been reported in the literature in individuals affected with WAS-related conditions. For these reasons, this variant has been classified as Pathogenic.

Literature cited by the submitters: PubMed 15284122.